The following is an entry in ClinVar:

ClinVar aggregate classification (germline): Uncertain significance (0 of 4 stars; one submission).

Conditions:
MAST1-related disorder. Also called: MAST1-related condition.

gnomAD v4.1: 1 of 1,613,924 alleles (0.000062%); highest among the groups gnomAD compares: Non-Finnish European, 0.000085%; no homozygotes.

Submission:

PreventionGenetics, part of Exact Sciences
Classification: Uncertain significance for MAST1-related condition. Last evaluated: 2024-08-14. Review status: no assertion criteria provided. Collection method: clinical testing. Allele origin: germline.
Comment: The MAST1 c.1106C>T variant is predicted to result in the amino acid substitution p.Pro369Leu. To our knowledge, this variant has not been reported in the literature or in gnomAD v2 (as displayed in the table above), indicating this variant is rare. However, in gnomAD v4 (available only on GRCh38), this variant has been reported in a single allele. At PreventionGenetics this variant has been found to be de novo in a patient with some features of MAST1 related disorder but has also been detected with unknown inheritance in a patient without neurological features (Internal Data). Although we suspect that this variant may be pathogenic, at this time, the clinical significance of this variant is uncertain due to the absence of conclusive functional and genetic evidence.

NM_014975.3(MAST1):c.1106C>T (p.Pro369Leu)

Gene: MAST1 (microtubule associated serine/threonine kinase 1; plus strand). Cytogenetic location: 19p13.13.
Variant type: single nucleotide variant.
Coding change: c.1106C>T on transcript NM_014975.3 (MANE Select); coding-DNA position 1106, C replaced by T.
Protein change: p.Pro369Leu; replaces proline 369 with leucine.
Molecular consequence: missense variant.
Genome position (GRCh38, 1-based): chr19:12,858,390, C>T. VCF-style: chr19-12858390-C-T. GRCh37 (hg19) VCF-style: chr19-12969204-C-T.
Other names: short protein forms P369L.
Identifiers: ClinVar variation 3354766 (VCV003354766.1).